The following is an entry in ClinVar:

NM_000429.3(MAT1A):c.492G>A (p.Met164Ile)

Gene: MAT1A (methionine adenosyltransferase 1A; minus strand). Cytogenetic location: 10q22.3.
Variant type: single nucleotide variant.
Coding change: c.492G>A on transcript NM_000429.3 (MANE Select); coding-DNA position 492, G replaced by A.
Protein change: p.Met164Ile; replaces methionine 164 with isoleucine.
Molecular consequence: missense variant.
Genome position (GRCh38, 1-based): chr10:80,280,230, C>T on the plus strand (G>A on the coding strand, the complement: MAT1A is on the minus strand). VCF-style: chr10-80280230-C-T. GRCh37 (hg19) VCF-style: chr10-82039986-C-T.
Other names: short protein forms M164I.
Identifiers: ClinVar variation 1716437 (VCV001716437.6), dbSNP rs1166215201, ClinGen allele CA377362703.

ClinVar aggregate classification (germline): Uncertain significance (1 of 4 stars; one submission).

Conditions:
Hepatic methionine adenosyltransferase deficiency. Also called: Methionine adenosyltransferase deficiency; MAT I/III DEFICIENCY; Deficiency of methionine adenosyltransferase; Isolated Persistent Hypermethioninemia. Identifiers: Orphanet 168598, MedGen C0268621, MeSH C564683, MONDO:0009607, OMIM 250850.

Allele frequency attached by ClinVar (database versions not stated): gnomAD exomes below 0.00001.

Submission:

Labcorp Genetics (formerly Invitae), Labcorp
Classification: Uncertain significance for Hepatic methionine adenosyltransferase deficiency. Last evaluated: 2022-08-14. Review status: criteria provided, single submitter. Criteria: Invitae Variant Classification Sherloc (09022015). Collection method: clinical testing. Allele origin: germline.
Comment: Algorithms developed to predict the effect of missense changes on protein structure and function (SIFT, PolyPhen-2, Align-GVGD) all suggest that this variant is likely to be tolerated. This sequence change replaces methionine, which is neutral and non-polar, with isoleucine, which is neutral and non-polar, at codon 164 of the MAT1A protein (p.Met164Ile). This variant is present in population databases (no rsID available, gnomAD 0.003%). This variant has not been reported in the literature in individuals affected with MAT1A-related conditions. In summary, the available evidence is currently insufficient to determine the role of this variant in disease. Therefore, it has been classified as a Variant of Uncertain Significance.